The following is an entry in ClinVar:

ClinVar aggregate classification (germline): Uncertain significance (1 of 4 stars; one submission).

Conditions:
Myofibrillar myopathy 4. Also called: Zaspopathy (type). Identifiers: Orphanet 98912, MedGen C4721886, MONDO:0012277, OMIM 609452.

Submission:

Labcorp Genetics (formerly Invitae), Labcorp
Classification: Uncertain significance for Myofibrillar myopathy 4. Last evaluated: 2025-10-02. Review status: criteria provided, single submitter. Criteria: Invitae Variant Classification Sherloc (09022015). Collection method: clinical testing. Allele origin: germline.
Comment: This sequence change replaces serine, which is neutral and polar, with threonine, which is neutral and polar, at codon 2 of the LDB3 protein (p.Ser2Thr). This variant is not present in population databases (gnomAD no frequency). This variant has not been reported in the literature in individuals affected with LDB3-related conditions. ClinVar contains an entry for this variant (Variation ID: 567162). An algorithm developed to predict the effect of missense changes on protein structure and function (PolyPhen-2) suggests that this variant is likely to be tolerated. In summary, the available evidence is currently insufficient to determine the role of this variant in disease. Therefore, it has been classified as a Variant of Uncertain Significance.

NM_007078.3(LDB3):c.4T>A (p.Ser2Thr)

Gene: LDB3 (LIM domain binding 3; plus strand). Cytogenetic location: 10q23.2.
Variant type: single nucleotide variant.
Coding change: c.4T>A on transcript NM_007078.3 (MANE Select); coding-DNA position 4, T replaced by A.
Protein change: p.Ser2Thr; replaces serine 2 with threonine.
Molecular consequence: missense variant.
Genome position (GRCh38, 1-based): chr10:86,668,695, T>A. VCF-style: chr10-86668695-T-A. GRCh37 (hg19) VCF-style: chr10-88428452-T-A.
Other names: c.4T>A, p.Ser2Thr (NM_001080116.1, NM_001080114.2, NM_001080115.2 and 8 more transcripts); short protein forms S2T.
Identifiers: ClinVar variation 567162 (VCV000567162.10), dbSNP rs1564626023, ClinGen allele CA377448663.